The following is an entry in ClinVar:

NM_001009944.3(PKD1):c.3156C>G (p.Ala1052=)

Gene: PKD1 (polycystin 1, transient receptor potential channel interacting; minus strand). Cytogenetic location: 16p13.3.
Variant type: single nucleotide variant.
Coding change: c.3156C>G on transcript NM_001009944.3 (MANE Select); coding-DNA position 3156, C replaced by G.
Protein change: p.Ala1052=; no amino-acid change (alanine 1052 retained).
Molecular consequence: synonymous variant.
Genome position (GRCh38, 1-based): chr16:2,112,793, G>C on the plus strand (C>G on the coding strand, the complement: PKD1 is on the minus strand). VCF-style: chr16-2112793-G-C. GRCh37 (hg19) VCF-style: chr16-2162794-G-C.
Other names: c.3156C>G, p.Ala1052= (NM_000296.4).
Identifiers: ClinVar variation 4985461 (VCV004985461.1).
Genomic context (GRCh38, chr16:2,112,793, plus strand): 5'-TGGGGCTGGGACAAGAGCCTGGTGCCCACCCCAAACCGGCCCCCGAGTCACTCACAGGAA[G>C]GCCACCTCCACGGCCGAGTCCACCAGCACGCCCGCCGTCAGTGCTAGCGTGGCATTGGGG-3'
Protein context (NP_001009944.3, residues 1042-1062): GVLVDSAVEV[Ala1052=]FLWTFGDGEQ

ClinVar aggregate classification (germline): Likely benign (1 of 4 stars; one submission).

Conditions:
PKD1-related disorder. Also called: PKD1-related condition.

gnomAD v4.1: 74 of 1,596,870 alleles (0.0046%); highest among the groups gnomAD compares: African/African-American, 0.092%; no homozygotes.

Submission:

PreventionGenetics, part of Exact Sciences
Classification: Likely benign for PKD1-related condition. Last evaluated: 2026-02-16. Review status: criteria provided, single submitter. Criteria: ACMG Guidelines, 2015. Collection method: clinical testing. Allele origin: germline.
Comment: This variant is classified as likely benign based on ACMG/AMP sequence variant interpretation guidelines (Richards et al. 2015 PMID: 25741868, with internal and published modifications).